The following is an entry in ClinVar:

ClinVar aggregate classification (germline): Uncertain significance (1 of 4 stars; one submission).

Conditions:
Hereditary cancer-predisposing syndrome. Also called: Neoplastic Syndromes, Hereditary; Tumor predisposition; Hereditary Cancer Syndrome; Hereditary neoplastic syndrome. Identifiers: Orphanet 140162, MedGen C0027672, MeSH D009386, MONDO:0015356.

Submission:

Ambry Genetics
Classification: Uncertain significance for Hereditary cancer-predisposing syndrome. Last evaluated: 2025-06-24. Review status: criteria provided, single submitter. Criteria: Ambry Variant Classification Scheme 2023. Collection method: clinical testing. Allele origin: germline.
Comment: The c.1246-5T>A intronic variant results from a T to A substitution 5 nucleotides upstream from coding exon 7 in the SMARCA4 gene. This nucleotide position is not well conserved in available vertebrate species. In silico splice site analysis predicts that this alteration will not have any significant effect on splicing. Based on the available evidence, the clinical significance of this variant remains unclear.

NM_003072.5(SMARCA4):c.1246-5T>A

Gene: SMARCA4 (SWI/SNF related BAF chromatin remodeling complex subunit ATPase 4; plus strand). Cytogenetic location: 19p13.2.
Variant type: single nucleotide variant.
Coding change: c.1246-5T>A on transcript NM_003072.5 (MANE Select); 5 bases into the intron before coding-DNA position 1246, T replaced by A.
Molecular consequence: intron variant.
Genome position (GRCh38, 1-based): chr19:10,991,145, T>A. VCF-style: chr19-10991145-T-A. GRCh37 (hg19) VCF-style: chr19-11101821-T-A.
Other names: c.1246-5T>A (NM_001128844.3, NM_001128849.3, NM_001128847.4 and 6 more transcripts).
Identifiers: ClinVar variation 4170132 (VCV004170132.1).